The following is an entry in ClinVar:

ClinVar aggregate classification (germline): Likely benign. Review status: criteria provided, multiple submitters, no conflicts (2 of 4 stars). 3 submissions from 3 submitters: Likely benign (2). 1 of the submissions does not count toward it. Last evaluated 2025-03-13.

Conditions:
DNMT3A-related disorder. Also called: DNMT3A-related disorders; DNMT3A-related condition.
Tatton-Brown-Rahman overgrowth syndrome. Also called: Tatton-Brown-Rahman syndrome; Tall stature-intellectual disability-facial dysmorphism syndrome. Identifiers: Orphanet 404443, MedGen C4014545, MONDO:0014382, OMIM 615879.

Allele frequency attached by ClinVar (database versions not stated): gnomAD exomes 0.00004 and 0.00006; ExAC 0.00010; gnomAD 0.00023 and 0.00026; TOPMed 0.00028.
gnomAD v4.1: 95 of 1,549,046 alleles (0.0061%); highest among the groups gnomAD compares: Admixed American, 0.075%; no homozygotes.

Submissions (3):

Labcorp Genetics (formerly Invitae), Labcorp
Classification: Likely benign for Tatton-Brown-Rahman overgrowth syndrome. Last evaluated: 2025-03-13. Review status: criteria provided, single submitter. Criteria: Invitae Variant Classification Sherloc (09022015). Collection method: clinical testing. Allele origin: germline.

Genetic Services Laboratory, University of Chicago
Classification: Likely benign. Last evaluated: 2016-10-18. Review status: criteria provided, single submitter. Criteria: ACMG Guidelines, 2015. Collection method: clinical testing. Allele origin: germline. Affected: no.

PreventionGenetics, part of Exact Sciences
Classification: Likely benign for DNMT3A-related condition. Last evaluated: 2019-06-24. Review status: no assertion criteria provided. Collection method: clinical testing. Allele origin: germline. Not counted in ClinVar's aggregate classification.
Comment: This variant is classified as likely benign based on ACMG/AMP sequence variant interpretation guidelines (Richards et al. 2015 PMID: 25741868, with internal and published modifications).

NM_022552.5(DNMT3A):c.72+9C>T

Gene: DNMT3A (DNA methyltransferase 3 alpha; minus strand). Cytogenetic location: 2p23.3.
Variant type: single nucleotide variant.
Coding change: c.72+9C>T on transcript NM_022552.5 (MANE Select); 9 bases into the intron after coding-DNA position 72, C replaced by T.
Molecular consequence: intron variant.
Genome position (GRCh38, 1-based): chr2:25,313,904, G>A on the plus strand (C>T on the coding strand, the complement: DNMT3A is on the minus strand). VCF-style: chr2-25313904-G-A. GRCh37 (hg19) VCF-style: chr2-25536773-G-A.
Other names: c.72+9C>T (NM_175629.2, NM_175630.1, NM_001320892.2).
Identifiers: ClinVar variation 434956 (VCV000434956.18), dbSNP rs758596753, ClinGen allele CA1556567.